The following is an entry in ClinVar:

NM_175914.5(HNF4A):c.1063G>C (p.Gly355Arg)

Gene: HNF4A (hepatocyte nuclear factor 4 alpha; plus strand). Cytogenetic location: 20q13.12.
Variant type: single nucleotide variant.
Coding change: c.1063G>C on transcript NM_175914.5 (MANE Select); coding-DNA position 1063, G replaced by C.
Protein change: p.Gly355Arg; replaces glycine 355 with arginine.
Molecular consequence: missense variant.
Genome position (GRCh38, 1-based): chr20:44,424,254, G>C. VCF-style: chr20-44424254-G-C. GRCh37 (hg19) VCF-style: chr20-43052894-G-C.
Other names: NM_175914.5(HNF4A):c.1063G>C; p.Gly355Arg; c.1129G>C, p.Gly377Arg (NM_000457.6, NM_178849.3, NM_178850.3); c.1063G>C, p.Gly355Arg (NM_001030003.3, NM_001030004.3); c.1108G>C, p.Gly370Arg (NM_001258355.2); c.1054G>C, p.Gly352Arg (NM_001287182.2, NM_001287183.2, NM_001287184.2); short protein forms G352R, G355R, G370R, G377R.
Identifiers: ClinVar variation 2580875 (VCV002580875.3), dbSNP rs1568741527, ClinGen allele CA409108855.

ClinVar aggregate classification (germline): Likely pathogenic. Review status: reviewed by expert panel (3 of 4 stars). 2 submissions from 2 submitters: Likely pathogenic (1). 1 of the submissions does not count toward it. Last evaluated 2024-11-21.

Conditions:
Maturity-onset diabetes of the young (MODY). Also called: Maturity onset diabetes mellitus in young. Identifiers: Orphanet 552, MedGen C0342276, MONDO:0018911, HP:0004904.
Monogenic diabetes. Identifiers: Orphanet 183625, MedGen C3888631, MONDO:0015967.

Submissions (2):

ClinGen Monogenic Diabetes Variant Curation Expert Panel
Classification: Likely pathogenic for Monogenic diabetes. Last evaluated: 2024-11-21. Review status: reviewed by expert panel. Criteria: ClinGen Diabetes ACMG Specifications HNF4A V2.0.0. Collection method: curation. Allele origin: germline. Inheritance: Autosomal dominant inheritance.
Comment: The c.1063G>C variant in the hepatocyte nuclear factor 4 alpha gene, HNF4A, is predicted to cause an amino acid change of glycine to arginine at codon 355 (p.(Gly355Arg) in transcript NM_175914.5, however splicing prediction and minigene assay show that the c.1063G>C is a splicing variant resulting in transcripts with frame-shift and premature termination codon. The variant is absent in gnomAD v2.1.1 (PM2_Supporting). This variant has a REVEL score of 0.637, which is between the ClinGen MDEP thresholds for BP4 and PP3, predicting neither a damaging nor benign impact on HNF4A function. However, the computational splicing predictor SpliceAI gives a score of 0.94 for donor loss, predicting that this variant, located in the last nucleotide of exon 8, disrupts the donor site for intron 8 of HNF4A (PP3 met for splicing predictor). There is evidence from RNA and in silico studies that this non-canonical splicing variant results in aberrant splicing, indicating that this variant impacts protein function (ClinVar submission from Dept of Medical Genetics, AP-HP Sorbonne University, Pitié-Salpêtrière hospital - Accession: SCV004037073.1) (PS3). Moreover, this variant segregated with diabetes with one informative meiosis in this family; however, this does not meet the thresholds for PP1 set by the ClinGen MDEP [internal lab contributor, the same case as in ClinVar Accession SCV004037073.1 and PMID: 31291970]. The nucleotide change c.1063G>A, which causes the same amino acid change and is also located in the last nucleotide of exon 8, is predicted to disrupt the donor site for intron 8 of HNF4A with a lower prediction value for donor loss by SpliceAI (0.66) in comparison to c.1063G>C (0.94), and the c.1063G>A variant has not met the criteria to be classified as pathogenic for monogenic diabetes by the ClinGen MDEP. In summary, c.1063G>C meets the criteria to be classified as likely pathogenic (LP) for monogenic diabetes. ACMG/AMP criteria applied, as specified by the ClinGen MDEP VCEP (specification version 2.0.0, approved 10/11/2023): PS3, PP3, PM2_Supporting.

Dept of Medical Genetics, AP-HP Sorbonne University, Pitié-Salpêtrière hospital
Classification: Likely pathogenic for MODY. Last evaluated: 2022-11-01. Review status: criteria provided, single submitter. Criteria: ACMG Guidelines, 2015. Collection method: clinical testing. Allele origin: germline. Affected: yes. Not counted in ClinVar's aggregate classification.
Comment: minigene showed effect on RNA splicing: complex alteration with 2 transcripts. 1/ retention of the first 65 bp of intron 8 (r.1063_1064delins66, p.Gly355Argfs*39) and 2/ deletion of the last 181 bp of exon8 (r.883_1063del, p.Val295Glyfs*17). PS3 PM2

Literature cited by the submitters: PubMed 31291970 (cited by Dept of Medical Genetics, AP-HP Sorbonne University, Pitié-Salpêtrière hospital).